The following is an entry in ClinVar:

NM_005228.5(EGFR):c.975G>T (p.Lys325Asn)

Gene: EGFR (epidermal growth factor receptor; plus strand). Cytogenetic location: 7p11.2.
Variant type: single nucleotide variant.
Coding change: c.975G>T on transcript NM_005228.5 (MANE Select); coding-DNA position 975, G replaced by T.
Protein change: p.Lys325Asn; replaces lysine 325 with asparagine.
Molecular consequence: missense variant.
Genome position (GRCh38, 1-based): chr7:55,155,915, G>T. VCF-style: chr7-55155915-G-T. GRCh37 (hg19) VCF-style: chr7-55223608-G-T.
Other names: c.975G>T, p.Lys325Asn (NM_201282.2, NM_201283.2, NM_201284.2 and 1 more transcripts); c.840G>T, p.Lys280Asn (NM_001346897.2, NM_001346899.2); c.816G>T, p.Lys272Asn (NM_001346900.2); c.174G>T, p.Lys58Asn (NM_001346941.2); short protein forms K272N, K280N, K325N, K58N.
Identifiers: ClinVar variation 3688363 (VCV003688363.3).

ClinVar aggregate classification (germline): Uncertain significance. Review status: criteria provided, multiple submitters, no conflicts (2 of 4 stars). 2 submissions from 2 submitters: Uncertain significance (2). Last evaluated 2025-03-15.

Conditions:
Hereditary cancer-predisposing syndrome. Also called: Tumor predisposition; Neoplastic Syndromes, Hereditary; Hereditary Cancer Syndrome; Hereditary neoplastic syndrome. Identifiers: Orphanet 140162, MedGen C0027672, MeSH D009386, MONDO:0015356.
EGFR-related lung cancer (EGFR). Identifiers: MedGen CN130014.

Submissions (2):

Ambry Genetics
Classification: Uncertain significance for Hereditary cancer-predisposing syndrome. Last evaluated: 2025-03-15. Review status: criteria provided, single submitter. Criteria: Ambry Variant Classification Scheme 2023. Collection method: clinical testing. Allele origin: germline.
Comment: The p.K325N variant (also known as c.975G>T), located in coding exon 8 of the EGFR gene, results from a G to T substitution at nucleotide position 975. The lysine at codon 325 is replaced by asparagine, an amino acid with similar properties. This amino acid position is conserved. In addition, this alteration is predicted to be tolerated by in silico analysis. Based on the available evidence, the clinical significance of this variant remains unclear.

Labcorp Genetics (formerly Invitae), Labcorp
Classification: Uncertain significance for EGFR-related lung cancer. Last evaluated: 2025-01-23. Review status: criteria provided, single submitter. Criteria: Invitae Variant Classification Sherloc (09022015). Collection method: clinical testing. Allele origin: germline.
Comment: This sequence change replaces lysine, which is basic and polar, with asparagine, which is neutral and polar, at codon 325 of the EGFR protein (p.Lys325Asn). This variant is not present in population databases (gnomAD no frequency). This variant has not been reported in the literature in individuals affected with EGFR-related conditions. Invitae Evidence Modeling of protein sequence and biophysical properties (such as structural, functional, and spatial information, amino acid conservation, physicochemical variation, residue mobility, and thermodynamic stability) has been performed for this missense variant. However, the output from this modeling did not meet the statistical confidence thresholds required to predict the impact of this variant on EGFR protein function. In summary, the available evidence is currently insufficient to determine the role of this variant in disease. Therefore, it has been classified as a Variant of Uncertain Significance.